The following is an entry in ClinVar:

ClinVar aggregate classification (germline): Pathogenic (1 of 4 stars; one submission).

Conditions:
Neurofibromatosis, type 1 (NF1). Also called: Neurofibromatosis, type I; Peripheral type neurofibromatosis; VON RECKLINGHAUSEN DISEASE; NEUROFIBROMATOSIS, TYPE I, SOMATIC. Identifiers: Orphanet 636, MedGen C0027831, MONDO:0018975, OMIM 162200. Disease mechanism: loss of function.

Submission:

Labcorp Genetics (formerly Invitae), Labcorp
Classification: Pathogenic for Neurofibromatosis, type 1. Last evaluated: 2022-06-19. Review status: criteria provided, single submitter. Criteria: Invitae Variant Classification Sherloc (09022015). Collection method: clinical testing. Allele origin: germline.
Comment: For these reasons, this variant has been classified as Pathogenic. This variant has not been reported in the literature in individuals affected with NF1-related conditions. This variant is not present in population databases (gnomAD no frequency). This sequence change creates a premature translational stop signal (p.Gln315Argfs*2) in the NF1 gene. It is expected to result in an absent or disrupted protein product. Loss-of-function variants in NF1 are known to be pathogenic (PMID: 10712197, 23913538).

Literature cited by the submitters: PubMed 10712197; PubMed 23913538.

NM_001042492.3(NF1):c.944del (p.Gln315fs)

Gene: NF1 (neurofibromin 1; plus strand). Cytogenetic location: 17q11.2.
Variant type: Deletion.
Coding change: c.944del on transcript NM_001042492.3 (MANE Select); coding-DNA position 944, one base deleted (A; older notation c.944delA).
Protein change: p.Gln315fs; shifts the reading frame from glutamine 315.
Molecular consequence: frameshift variant.
Genome position (GRCh38, 1-based): chr17:31,200,477, A deleted. VCF-style (leftmost placement, unchanged base first): chr17-31200476-CA-C. GRCh37 (hg19) VCF-style: chr17-29527494-CA-C.
Other names: c.944delA, p.Gln315Argfs (NM_000267.4); c.944del, p.Gln315fs (NM_001128147.3); short protein forms Q315fs.
Identifiers: ClinVar variation 2008230 (VCV002008230.4), dbSNP rs2544793672, ClinGen allele CA2580092813.
Genomic context (GRCh38, chr17:31,200,476, plus strand): 5'-CTGTAGAAGTTATTTCTGGACAGTCTACGAAAAGCTCTTGCTGGCCATGGAGGAAGTAGG[CA>C]GCTGACAGAAAGTGCTGCAATTGCCTGTGTCAAACTGTGTAAAGCAAGTACTTACATCAA-3'